The following is an entry in ClinVar:

ClinVar aggregate classification (germline): Benign/Likely benign. Review status: criteria provided, multiple submitters, no conflicts (2 of 4 stars). 7 submissions from 7 submitters: Benign (1); Likely benign (6). Last evaluated 2025-09-23.

Conditions:
Hereditary cancer-predisposing syndrome. Also called: Hereditary neoplastic syndrome; Neoplastic Syndromes, Hereditary; Hereditary Cancer Syndrome; Tumor predisposition. Identifiers: Orphanet 140162, MedGen C0027672, MeSH D009386, MONDO:0015356.
Hereditary breast ovarian cancer syndrome. Also called: BRCA1- and BRCA2-Associated Hereditary Breast and Ovarian Cancer; Hereditary breast and ovarian cancer syndrome; Hereditary breast and/or ovarian cancer syndrome; Hereditary breast and ovarian cancer syndrome (HBOC); Hereditary breast and ovarian cancer; Breast and ovarian cancer. Identifiers: Orphanet 145, MedGen C0677776, MeSH D061325, MONDO:0003582. Disease mechanism: loss of function.
Breast-ovarian cancer, familial, susceptibility to, 2 (BROVCA2). Also called: BRCA2 Hereditary Breast and Ovarian Cancer. Identifiers: Orphanet 145, MedGen C2675520, MONDO:0012933, OMIM 612555. Disease mechanism: loss of function.
Familial cancer of breast. Also called: BREAST CANCER, FAMILIAL; Hereditary breast cancer; hereditary breast carcinoma. Identifiers: Orphanet 227535, MedGen C0346153, MONDO:0016419, OMIM 114480. Disease mechanism: loss of function.

Allele frequency attached by ClinVar (database versions not stated): gnomAD exomes 0.00001.
gnomAD v4.1: 3 of 1,614,108 alleles (0.00019%); highest among the groups gnomAD compares: Middle Eastern, 0.049%; no homozygotes.

Submissions (7):

Labcorp Genetics (formerly Invitae), Labcorp
Classification: Likely benign for Hereditary breast ovarian cancer syndrome. Last evaluated: 2025-09-23. Review status: criteria provided, single submitter. Criteria: Invitae Variant Classification Sherloc (09022015). Collection method: clinical testing. Allele origin: germline.

KCCC/NGS Laboratory, Kuwait Cancer Control Center
Classification: Benign for Familial cancer of breast. Last evaluated: 2025-02-01. Review status: criteria provided, single submitter. Criteria: ACMG Guidelines, 2015. Collection method: clinical testing. Allele origin: germline. Affected: no.

All of Us Research Program, National Institutes of Health
Classification: Likely benign for Breast-ovarian cancer, familial, susceptibility to, 2. Last evaluated: 2023-11-02. Review status: criteria provided, single submitter. Criteria: ACMG Guidelines, 2015. Collection method: clinical testing. Allele origin: germline. Inheritance: Autosomal dominant inheritance. Observed: 3 variant alleles, 3 heterozygotes.
Comment: This study involves interpretation of variants in research participants for the purpose of population health screening. Participant phenotype was not available at the time of variant classification. Additional details can be found in publication PMID: 35346344, PMCID: PMC8962531

Blueprint Genetics
Classification: Likely benign. Last evaluated: 2021-12-31. Review status: criteria provided, single submitter. Criteria: ACMG Guidelines, 2015. Collection method: clinical testing. Allele origin: germline.

Quest Diagnostics Nichols Institute San Juan Capistrano
Classification: Likely benign. Last evaluated: 2019-03-22. Review status: criteria provided, single submitter. Criteria: Quest Diagnostics criteria. Collection method: clinical testing. Allele origin: germline.

Color Diagnostics, LLC DBA Color Health
Classification: Likely benign for Hereditary cancer-predisposing syndrome. Last evaluated: 2018-08-28. Review status: criteria provided, single submitter. Criteria: ACMG Guidelines, 2015. Collection method: clinical testing. Allele origin: germline.

Ambry Genetics
Classification: Likely benign for Hereditary cancer-predisposing syndrome. Last evaluated: 2017-01-13. Review status: criteria provided, single submitter. Criteria: Ambry Variant Classification Scheme 2023. Collection method: clinical testing. Allele origin: germline.

NM_000059.4(BRCA2):c.9831G>C (p.Leu3277=)

Gene: BRCA2 (BRCA2 DNA repair associated; plus strand). Cytogenetic location: 13q13.1.
Variant type: single nucleotide variant.
Coding change: c.9831G>C on transcript NM_000059.4 (MANE Select); coding-DNA position 9831, G replaced by C.
Protein change: p.Leu3277=; no amino-acid change (leucine 3277 retained).
Molecular consequence: synonymous variant.
Genome position (GRCh38, 1-based): chr13:32,398,344, G>C. VCF-style: chr13-32398344-G-C. GRCh37 (hg19) VCF-style: chr13-32972481-G-C.
Identifiers: ClinVar variation 462537 (VCV000462537.23), dbSNP rs995227933, ClinGen allele CA247509101.
Genomic context (GRCh38, chr13:32,398,344, plus strand): 5'-AGAGATTGATGACCAAAAGAACTGCAAAAAGAGAAGAGCCTTGGATTTCTTGAGTAGACT[G>C]CCTTTACCTCCACCTGTTAGTCCCATTTGTACATTTGTTTCTCCGGCTGCACAGAAGGCA-3'
Protein context (NP_000050.3, residues 3267-3287): KRRALDFLSR[Leu3277=]PLPPPVSPIC